The following is an entry in ClinVar:

NM_000138.5(FBN1):c.7392G>C (p.Gly2464=)

Gene: FBN1 (fibrillin 1; minus strand). Cytogenetic location: 15q21.1.
Variant type: single nucleotide variant.
Coding change: c.7392G>C on transcript NM_000138.5 (MANE Select); coding-DNA position 7392, G replaced by C.
Protein change: p.Gly2464=; no amino-acid change (glycine 2464 retained).
Molecular consequence: synonymous variant.
Genome position (GRCh38, 1-based): chr15:48,425,430, C>G on the plus strand (G>C on the coding strand, the complement: FBN1 is on the minus strand). VCF-style: chr15-48425430-C-G. GRCh37 (hg19) VCF-style: chr15-48717627-C-G.
Other names: c.7392G>C, p.Gly2464= (NM_001406716.1).
Identifiers: ClinVar variation 3070416 (VCV003070416.1), dbSNP rs2042971517, ClinGen allele CA490016762.
Genomic context (GRCh38, chr15:48,425,430, plus strand): 5'-TTTGCAGCTCCTTCCATCCTCTTGCAGAATGTAGCCTTTCGGGCATGAACACTGGTAACT[C>G]CCTTCTGTGTTTTTGCAGATAAAATTGCAGGGTTTGGGAGCCTGGTTGCACTCGTTCAGA-3'
Protein context (NP_000129.3, residues 2454-2474): PCNFICKNTE[Gly2464=]SYQCSCPKGY

ClinVar aggregate classification (germline): Likely benign (1 of 4 stars; one submission).

Conditions:
Marfan syndrome (MFS). Also called: MARFAN SYNDROME, TYPE I; Marfan syndrome type 1; Marfan's syndrome; Marfan syndrome, classic; FBN1-Related Marfan Syndrome. Identifiers: Orphanet 284963, Orphanet 558, MedGen C0024796, MONDO:0007947, OMIM 154700.

Submission:

All of Us Research Program, National Institutes of Health
Classification: Likely benign for Marfan syndrome. Last evaluated: 2023-04-10. Review status: criteria provided, single submitter. Criteria: ACMG Guidelines, 2015. Collection method: clinical testing. Allele origin: germline. Inheritance: Autosomal dominant inheritance. Observed: 1 variant allele, 1 heterozygote.
Comment: This study involves interpretation of variants in research participants for the purpose of population health screening. Participant phenotype was not available at the time of variant classification. Additional details can be found in publication PMID: 35346344, PMCID: PMC8962531